The following is an entry in ClinVar:

NM_018192.4(P3H2):c.448C>T (p.Pro150Ser)

Gene: P3H2 (prolyl 3-hydroxylase 2; minus strand). Cytogenetic location: 3q28.
Variant type: single nucleotide variant.
Coding change: c.448C>T on transcript NM_018192.4 (MANE Select); coding-DNA position 448, C replaced by T.
Protein change: p.Pro150Ser; replaces proline 150 with serine.
Molecular consequence: missense variant. On other transcripts: intron variant (1).
Genome position (GRCh38, 1-based): chr3:190,120,284, G>A on the plus strand (C>T on the coding strand, the complement: P3H2 is on the minus strand). VCF-style: chr3-190120284-G-A. GRCh37 (hg19) VCF-style: chr3-189838073-G-A.
Other names: c.-64+1919C>T (NM_001134418.2); short protein forms P150S.
Identifiers: ClinVar variation 1494918 (VCV001494918.6), dbSNP rs370427924, ClinGen allele CA2753369.

ClinVar aggregate classification (germline): Uncertain significance (1 of 4 stars; one submission).

Allele frequency attached by ClinVar (database versions not stated): gnomAD exomes below 0.00001; ExAC 0.00001.

Submission:

Labcorp Genetics (formerly Invitae), Labcorp
Classification: Uncertain significance. Last evaluated: 2021-11-04. Review status: criteria provided, single submitter. Criteria: Invitae Variant Classification Sherloc (09022015). Collection method: clinical testing. Allele origin: germline.
Comment: This sequence change replaces proline, which is neutral and non-polar, with serine, which is neutral and polar, at codon 150 of the P3H2 protein (p.Pro150Ser). The frequency data for this variant in the population databases is considered unreliable, as metrics indicate poor data quality at this position in the gnomAD database. This variant has not been reported in the literature in individuals affected with P3H2-related conditions. Algorithms developed to predict the effect of missense changes on protein structure and function are either unavailable or do not agree on the potential impact of this missense change (SIFT: "Deleterious"; PolyPhen-2: "Probably Damaging"; Align-GVGD: "Class C0"). In summary, the available evidence is currently insufficient to determine the role of this variant in disease. Therefore, it has been classified as a Variant of Uncertain Significance.